The following is an entry in ClinVar:

ClinVar aggregate classification (germline): Pathogenic/Likely pathogenic. Review status: criteria provided, multiple submitters, no conflicts (2 of 4 stars). 2 submissions from 2 submitters: Pathogenic (1); Likely pathogenic (1). Last evaluated 2024-01-04.

Conditions:
Breast-ovarian cancer, familial, susceptibility to, 4. Identifiers: Orphanet 145, MedGen C3280345, MONDO:0013669, OMIM 614291.

Submissions (2):

Myriad Genetics, Inc.
Classification: Pathogenic for Breast-ovarian cancer, familial, susceptibility to, 4. Last evaluated: 2024-01-04. Review status: criteria provided, single submitter. Criteria: Myriad Autosomal Dominant, Autosomal Recessive and X-Linked Classification Criteria (2023). Collection method: clinical testing. Allele origin: unknown.
Comment: This variant is considered pathogenic. This variant creates a termination codon and is predicted to result in premature protein truncation.

Baylor Genetics
Classification: Likely pathogenic for Breast-ovarian cancer, familial, susceptibility to, 4. Last evaluated: 2022-11-02. Review status: criteria provided, single submitter. Criteria: ACMG Guidelines, 2015. Collection method: clinical testing. Allele origin: unknown.

NM_002878.4(RAD51D):c.216_218del (p.Tyr72_Glu73delinsTer)

Genes: RAD51D (RAD51 paralog D; minus strand), RAD51L3-RFFL (RAD51L3-RFFL readthrough; minus strand). Cytogenetic location: 17q12.
Variant type: Deletion.
Coding change: c.216_218del on transcript NM_002878.4 (MANE Select); coding-DNA positions 216 to 218, 3 bases deleted (CGA; older notation c.216_218delCGA).
Protein change: p.Tyr72_Glu73delinsTer.
Molecular consequence: nonsense. On other transcripts: intron variant (2).
Genome position (GRCh38, 1-based): chr17:35,118,546-35,118,548, TCG deleted on the plus strand (CGA on the coding strand, the reverse complement: RAD51D is on the minus strand); deleting any 3 consecutive bases within chr17:35,118,546-35,118,549 gives the same sequence; the c. name uses the placement nearest the transcript's 3' end. VCF-style (leftmost placement, unchanged base first): chr17-35118545-CTCG-C. GRCh37 (hg19) VCF-style: chr17-33445564-CTCG-C.
Other names: c.144+563_144+565del (NM_133629.3, NM_001142571.2).
Identifiers: ClinVar variation 2678190 (VCV002678190.2), dbSNP rs2509181675, ClinGen allele CA2695201316.